The following is an entry in ClinVar:

ClinVar aggregate classification (germline): Pathogenic/Likely pathogenic. Review status: criteria provided, multiple submitters, no conflicts (2 of 4 stars). 5 submissions from 5 submitters: Pathogenic (4); Likely pathogenic (1). Last evaluated 2025-07-08.

Conditions:
TYMP-related disorder. Also called: TYMP-related condition.
Mitochondrial DNA depletion syndrome 1. Also called: Mitochondrial DNA Depletion Syndrome, MNGIE Form; Mitochondrial DNA depletion syndrome 1 (MNGIE type); Mitochondrial neurogastrointestinal encephalomyopathy syndrome; POLIP SYNDROME; POLYNEUROPATHY, OPHTHALMOPLEGIA, LEUKOENCEPHALOPATHY, AND INTESTINAL PSEUDOOBSTRUCTION; Mitochondrial Neurogastrointestinal Encephalopathy Disease. Identifiers: Orphanet 298, MedGen C4551995, MONDO:0011283, OMIM 603041.
Inborn genetic diseases. Identifiers: MedGen C0950123, MeSH D030342.

Allele frequency attached by ClinVar (database versions not stated): TOPMed 0.00002; gnomAD 0.00003.
gnomAD v4.1: 7 of 1,540,804 alleles (0.00045%); highest among the groups gnomAD compares: African/African-American, 0.0071%; no homozygotes.

Submissions (5):

Myriad Genetics, Inc.
Classification: Pathogenic for Mitochondrial DNA depletion syndrome 1. Last evaluated: 2025-07-08. Review status: criteria provided, single submitter. Criteria: Myriad Autosomal Dominant, Autosomal Recessive and X-Linked Classification Criteria (2023). Collection method: clinical testing. Allele origin: unknown.
Comment: NM_001257989.1(TYMP):c.1159+1G>A is a variant in a canonical splice site classified as pathogenic in the context of mitochondrial neurogastrointestinal encephalopathy disease. c.1159+1G>A has been observed in cases with relevant disease (PMID: 37530213, 36419558, Goldenberg_2018_(Abstract) ). Relevant functional assessments of this variant are not available in the literature. c.1159+1G>A has been observed in referenced population frequency databases. In summary, NM_001257989.1(TYMP):c.1159+1G>A is a variant in a canonical splice site that has been observed more frequently in cases with the relevant disease than in healthy populations. Please note: this variant was assessed in the context of healthy population screening.

Labcorp Genetics (formerly Invitae), Labcorp
Classification: Pathogenic. Last evaluated: 2025-04-09. Review status: criteria provided, single submitter. Criteria: Invitae Variant Classification Sherloc (09022015). Collection method: clinical testing. Allele origin: germline.
Comment: This sequence change affects a donor splice site in intron 8 of the TYMP gene. It is expected to disrupt RNA splicing. Variants that disrupt the donor or acceptor splice site typically lead to a loss of protein function (PMID: 16199547), and loss-of-function variants in TYMP are known to be pathogenic (PMID: 9924029, 15781193). This variant is not present in population databases (gnomAD no frequency). Disruption of this splice site has been observed in individual(s) with clinical features of mitochondrial neurogastrointestinal encephalomyopathy (PMID: 22618301). It has also been observed to segregate with disease in related individuals. ClinVar contains an entry for this variant (Variation ID: 985706). Algorithms developed to predict the effect of sequence changes on RNA splicing suggest that this variant may disrupt the consensus splice site. For these reasons, this variant has been classified as Pathogenic.

Baylor Genetics
Classification: Pathogenic for Mitochondrial DNA depletion syndrome 1. Last evaluated: 2024-02-04. Review status: criteria provided, single submitter. Criteria: ACMG Guidelines, 2015. Collection method: clinical testing. Allele origin: unknown.

Blueprint Genetics
Classification: Likely pathogenic for TYMP-related disorders. Last evaluated: 2019-05-09. Review status: criteria provided, single submitter. Criteria: ACMG Guidelines, 2015. Collection method: clinical testing. Allele origin: germline. Affected: yes. Observed: 1 variant allele.

Ambry Genetics
Classification: Pathogenic for Inborn genetic diseases. Last evaluated: 2018-03-28. Review status: criteria provided, single submitter. Criteria: Ambry exome assertion method (8-5-2015). Collection method: clinical testing. Allele origin: germline. Affected: yes. Observed: 1 variant allele.

Literature cited by the submitters: PubMed 16199547 (cited by Labcorp Genetics (formerly Invitae), Labcorp); PubMed 9924029 (cited by Labcorp Genetics (formerly Invitae), Labcorp); PubMed 15781193 (cited by Labcorp Genetics (formerly Invitae), Labcorp); PubMed 22618301 (cited by Labcorp Genetics (formerly Invitae), Labcorp and Ambry Genetics).

NM_001953.5(TYMP):c.1159+1G>A

Genes: SCO2 (synthesis of cytochrome C oxidase 2; minus strand), TYMP (thymidine phosphorylase; minus strand), LOC130067862 (ATAC-STARR-seq lymphoblastoid silent region 13986; plus strand). Cytogenetic location: 22q13.33.
Variant type: single nucleotide variant.
Coding change: c.1159+1G>A on transcript NM_001953.5 (MANE Select); the canonical splice donor site of the intron after coding-DNA position 1159, G replaced by A.
Molecular consequence: splice donor variant.
Genome position (GRCh38, 1-based): chr22:50,526,245, C>T on the plus strand (G>A on the coding strand, the complement: TYMP is on the minus strand). VCF-style: chr22-50526245-C-T. GRCh37 (hg19) VCF-style: chr22-50964674-C-T.
Other names: c.-14+1G>A (NM_001169109.2); c.1159+1G>A (NM_001257989.1, NM_001257988.1, NM_001113755.3 and 1 more transcripts).
Identifiers: ClinVar variation 985706 (VCV000985706.12), dbSNP rs1044840059, ClinGen allele CA325560602.